The following is an entry in ClinVar:

ClinVar aggregate classification (germline): Uncertain significance (1 of 4 stars; one submission).

gnomAD v4.1: 6 of 1,604,226 alleles (0.00037%); highest among the groups gnomAD compares: Admixed American, 0.0017%; no homozygotes.

Submission:

Labcorp Genetics (formerly Invitae), Labcorp
Classification: Uncertain significance. Last evaluated: 2022-04-24. Review status: criteria provided, single submitter. Criteria: Invitae Variant Classification Sherloc (09022015). Collection method: clinical testing. Allele origin: germline.
Comment: This sequence change replaces asparagine, which is neutral and polar, with threonine, which is neutral and polar, at codon 1226 of the COL18A1 protein (p.Asn1226Thr). This variant is not present in population databases (gnomAD no frequency). This variant has not been reported in the literature in individuals affected with COL18A1-related conditions. Experimental studies and prediction algorithms are not available or were not evaluated, and the functional significance of this variant is currently unknown. In summary, the available evidence is currently insufficient to determine the role of this variant in disease. Therefore, it has been classified as a Variant of Uncertain Significance.

NM_001379500.1(COL18A1):c.3686A>C (p.Asn1229Thr)

Genes: COL18A1 (collagen type XVIII alpha 1 chain; plus strand), SLC19A1 (solute carrier family 19 member 1; minus strand). Cytogenetic location: 21q22.3.
Variant type: single nucleotide variant.
Coding change: c.3686A>C on transcript NM_001379500.1 (MANE Select); coding-DNA position 3686, A replaced by C.
Protein change: p.Asn1229Thr; replaces asparagine 1229 with threonine.
Molecular consequence: missense variant.
Genome position (GRCh38, 1-based): chr21:45,510,254, A>C. VCF-style: chr21-45510254-A-C. GRCh37 (hg19) VCF-style: chr21-46930168-A-C.
Other names: c.4217A>C, p.Asn1406Thr (NM_030582.4); c.4922A>C, p.Asn1641Thr (NM_130444.3); short protein forms N1406T, N1229T, N1641T.
Identifiers: ClinVar variation 1388204 (VCV001388204.3), dbSNP rs755671130, ClinGen allele CA410501810.